The following is an entry in ClinVar:

ClinVar aggregate classification (germline): Pathogenic (1 of 4 stars; one submission).

Conditions:
Hereditary cancer-predisposing syndrome. Also called: Neoplastic Syndromes, Hereditary; Tumor predisposition; Hereditary neoplastic syndrome; Hereditary Cancer Syndrome. Identifiers: Orphanet 140162, MedGen C0027672, MeSH D009386, MONDO:0015356.

Submission:

Ambry Genetics
Classification: Pathogenic for Hereditary cancer-predisposing syndrome. Last evaluated: 2024-01-03. Review status: criteria provided, single submitter. Criteria: Ambry Variant Classification Scheme 2023. Collection method: clinical testing. Allele origin: germline.
Comment: The c.695delC variant, located in coding exon 3 of the SMARCA4 gene, results from a deletion of one nucleotide at nucleotide position 695, causing a translational frameshift with a predicted alternate stop codon (p.P232Lfs*71). This alteration is expected to result in loss of function by premature protein truncation or nonsense-mediated mRNA decay. Loss-of-function variants in SMARCA4 are known to cause rhabdoid tumor predisposition syndrome including small cell carcinoma of the ovary-hypercalcemic type (SCCOHT); however, such associations with neurodevelopmental disorders are exceedingly rare (Kosho T et al. Am J Med Genet C Semin Med Genet. 2014 Sep;166C(3):262-75; Jelinic P et al. Nat Genet. 2014 May;46(5):424-6). Based on the supporting evidence, this alteration is pathogenic for rhabdoid tumor predisposition syndrome; however, the association of this alteration with Coffin-Siris syndrome is unlikely.

NM_003072.5(SMARCA4):c.695del (p.Pro232fs)

Gene: SMARCA4 (SWI/SNF related BAF chromatin remodeling complex subunit ATPase 4; plus strand). Cytogenetic location: 19p13.2.
Variant type: Deletion.
Coding change: c.695del on transcript NM_003072.5 (MANE Select); coding-DNA position 695, one base deleted (C; older notation c.695delC).
Protein change: p.Pro232fs; shifts the reading frame from proline 232.
Molecular consequence: frameshift variant. On other transcripts: non-coding transcript variant (1).
Genome position (GRCh38, 1-based): chr19:10,986,528, C deleted; the last of 3 consecutive C bases (chr19:10,986,526-10,986,528); deleting any one gives the same sequence. VCF-style (leftmost placement, unchanged base first): chr19-10986525-GC-G. GRCh37 (hg19) VCF-style: chr19-11097201-GC-G.
Other names: c.695del, p.Pro232fs (NM_001128844.3, NM_001128845.2, NM_001128846.2 and 6 more transcripts); short protein forms P232fs.
Identifiers: ClinVar variation 3233142 (VCV003233142.1), dbSNP rs2514004859, ClinGen allele CA2825002735.